The following is an entry in ClinVar:

ClinVar aggregate classification (germline): Pathogenic (1 of 4 stars; one submission).

Conditions:
Hereditary cancer-predisposing syndrome. Also called: Neoplastic Syndromes, Hereditary; Tumor predisposition; Hereditary Cancer Syndrome; Hereditary neoplastic syndrome. Identifiers: Orphanet 140162, MedGen C0027672, MeSH D009386, MONDO:0015356.

Submission:

Ambry Genetics
Classification: Pathogenic for Hereditary cancer-predisposing syndrome. Last evaluated: 2016-05-27. Review status: criteria provided, single submitter. Criteria: Ambry Variant Classification Scheme 2023. Collection method: clinical testing. Allele origin: germline.
Comment: The c.1576_1580delCAAAAinsAAG pathogenic mutation, located in coding exon 9 of the BRCA1 gene, results from the deletion of 5 nucleotides and insertion of 3 nucleotides causing a translational frameshift with a predicted alternate stop codon. Since frameshifts are typically deleterious in nature, this alteration is interpreted as a disease-causing mutation (ACMG Recommendations for Standards for Interpretation and Reporting of Sequence Variations. Revision 2007. Genet Med. 2008;10:294).

NM_007294.4(BRCA1):c.1576_1580delinsAAG (p.Gln526fs)

Gene: BRCA1 (BRCA1 DNA repair associated; minus strand). Cytogenetic location: 17q21.31.
Variant type: Indel.
Coding change: c.1576_1580delinsAAG on transcript NM_007294.4 (MANE Select); coding-DNA positions 1576 to 1580, CAAAA replaced by AAG.
Protein change: p.Gln526fs; shifts the reading frame from glutamine 526.
Molecular consequence: frameshift variant. On other transcripts: intron variant (137).
Genome position (GRCh38, 1-based): chr17:43,093,951-43,093,955, TTTTG replaced by CTT on the plus strand (CAAAA replaced by AAG on the coding strand, the reverse complement: BRCA1 is on the minus strand). VCF-style: chr17-43093951-TTTTG-CTT. GRCh37 (hg19) VCF-style: chr17-41245968-TTTTG-CTT.
Other names: c.1453_1457delinsAAG, p.Gln485fs (NM_001407665.1, NM_001407668.1, NM_001407666.1 and 19 more transcripts); c.1573_1577delinsAAG, p.Gln525fs (NM_001407612.1, NM_001407613.1, NM_001407614.1 and 22 more transcripts); c.1576_1580delinsAAG, p.Gln526fs (NM_001407616.1, NM_001407617.1, NM_001407618.1 and 30 more transcripts); c.1450_1454delinsAAG, p.Gln484fs (NM_001407670.1, NM_001407671.1, NM_001407649.1 and 11 more transcripts); c.1567_1571delinsAAG, p.Gln523fs (NM_001407646.1, NM_001407647.1); c.1498_1502delinsAAG, p.Gln500fs (NM_001407653.1, NM_001407654.1, NM_001407655.1 and 4 more transcripts); c.1495_1499delinsAAG, p.Gln499fs (NM_001407659.1, NM_001407660.1, NM_001407661.1 and 1 more transcripts); c.1363_1367delinsAAG, p.Gln455fs (NM_001407571.1, NM_001407853.1, NM_001407894.1 and 9 more transcripts); and 40 more; short protein forms Q526fs, Q479fs, Q455fs, Q478fs, Q485fs, Q230fs, Q358fs, Q414fs.
Identifiers: ClinVar variation 1775589 (VCV001775589.2), dbSNP rs2552201614, ClinGen allele CA2580093798.
Genomic context (GRCh38, chr17:43,093,951, plus strand): 5'-TTCATCACTTGACCATTCTGCTCCGTTTGGTTAGTTCCCTGATTTATCATTTCAGGAGTC[TTTTG>CTT]AACTGCCAAATCTGCTTTCTTGATAAAATCCTCAGGATGAAGGCCTGATGTAGGTCTCCT-3'